The following is an entry in ClinVar:

ClinVar aggregate classification (germline): Uncertain significance (1 of 4 stars; one submission).

Allele frequency attached by ClinVar (database versions not stated): gnomAD exomes below 0.00001.

Submission:

GeneDx
Classification: Uncertain significance. Last evaluated: 2025-05-21. Review status: criteria provided, single submitter. Criteria: GeneDx Variant Classification Process June 2021. Collection method: clinical testing. Allele origin: germline. Affected: yes.
Comment: Not observed at significant frequency in large population cohorts (gnomAD); In silico analysis supports that this missense variant has a deleterious effect on protein structure/function; Has not been previously published as pathogenic or benign to our knowledge

NM_000284.4(PDHA1):c.425A>C (p.Lys142Thr)

Gene: PDHA1 (pyruvate dehydrogenase E1 subunit alpha 1; plus strand). Cytogenetic location: Xp22.12.
Variant type: single nucleotide variant.
Coding change: c.425A>C on transcript NM_000284.4 (MANE Select); coding-DNA position 425, A replaced by C.
Protein change: p.Lys142Thr; replaces lysine 142 with threonine.
Molecular consequence: missense variant.
Genome position (GRCh38, 1-based): chrX:19,353,088, A>C. VCF-style: chrX-19353088-A-C. GRCh37 (hg19) VCF-style: chrX-19371206-A-C.
Other names: c.539A>C, p.Lys180Thr (NM_001173454.2); c.446A>C, p.Lys149Thr (NM_001173455.2); c.425A>C, p.Lys142Thr (NM_001173456.2); short protein forms K142T, K149T, K180T.
Identifiers: ClinVar variation 1723490 (VCV001723490.3), dbSNP rs2518496991, ClinGen allele CA412392965.